The following is an entry in ClinVar:

ClinVar aggregate classification (germline): Uncertain significance (1 of 4 stars; one submission).

Submission:

Labcorp Genetics (formerly Invitae), Labcorp
Classification: Uncertain significance. Last evaluated: 2022-05-25. Review status: criteria provided, single submitter. Criteria: Invitae Variant Classification Sherloc (09022015). Collection method: clinical testing. Allele origin: germline.
Comment: This sequence change replaces glutamine, which is neutral and polar, with proline, which is neutral and non-polar, at codon 152 of the PNPLA8 protein (p.Gln152Pro). This variant is not present in population databases (gnomAD no frequency). This variant has not been reported in the literature in individuals affected with PNPLA8-related conditions. Algorithms developed to predict the effect of missense changes on protein structure and function (SIFT, PolyPhen-2, Align-GVGD) all suggest that this variant is likely to be tolerated. In summary, the available evidence is currently insufficient to determine the role of this variant in disease. Therefore, it has been classified as a Variant of Uncertain Significance.

NM_001256007.3(PNPLA8):c.455A>C (p.Gln152Pro)

Gene: PNPLA8 (patatin like domain 8, phospholipase A2; minus strand). Cytogenetic location: 7q31.1.
Variant type: single nucleotide variant.
Coding change: c.455A>C on transcript NM_001256007.3 (MANE Select); coding-DNA position 455, A replaced by C.
Protein change: p.Gln152Pro; replaces glutamine 152 with proline.
Molecular consequence: missense variant.
Genome position (GRCh38, 1-based): chr7:108,515,037, T>G on the plus strand (A>C on the coding strand, the complement: PNPLA8 is on the minus strand). VCF-style: chr7-108515037-T-G. GRCh37 (hg19) VCF-style: chr7-108155481-T-G.
Other names: c.455A>C, p.Gln152Pro (NM_001256008.3, NM_001256009.3, NM_015723.5); c.155A>C, p.Gln52Pro (NM_001256010.3, NM_001256011.3); short protein forms Q152P, Q52P.
Identifiers: ClinVar variation 1995791 (VCV001995791.4), dbSNP rs2552117651, ClinGen allele CA368898807.